The following is an entry in ClinVar:

NM_002425.3(MMP10):c.10C>G (p.Leu4Val)

Gene: MMP10 (matrix metallopeptidase 10; minus strand). Cytogenetic location: 11q22.2.
Variant type: single nucleotide variant.
Coding change: c.10C>G on transcript NM_002425.3 (MANE Select); coding-DNA position 10, C replaced by G.
Protein change: p.Leu4Val; replaces leucine 4 with valine.
Molecular consequence: missense variant.
Genome position (GRCh38, 1-based): chr11:102,780,582, G>C on the plus strand (C>G on the coding strand, the complement: MMP10 is on the minus strand). VCF-style: chr11-102780582-G-C. GRCh37 (hg19) VCF-style: chr11-102651313-G-C.
Other names: short protein forms L4V.
Identifiers: ClinVar variation 1244144 (VCV001244144.3), dbSNP rs17435959, ClinGen allele CA6250251.

ClinVar aggregate classification (germline): Benign. Review status: criteria provided, multiple submitters, no conflicts (2 of 4 stars). 2 submissions from 2 submitters: Benign (2). Last evaluated 2021-02-24.

Allele frequency attached by ClinVar (database versions not stated): gnomAD exomes 0.03806 and 0.04628; ExAC 0.05102; gnomAD 0.07166 and 0.07362; ESP Exome Variant Server 0.07229; TOPMed 0.07483; 1000 Genomes Project 0.08347; 1000 Genomes Project 30x 0.08401.
gnomAD v4.1: 66,825 of 1,613,382 alleles (4.1%); highest among the groups gnomAD compares: African/African-American, 16%; 2,113 homozygotes.

Submissions (2):

GeneDx
Classification: Benign. Last evaluated: 2021-02-24. Review status: criteria provided, single submitter. Criteria: GeneDx Variant Classification Process June 2021. Collection method: clinical testing. Allele origin: germline. Affected: yes.
Comment: This variant is associated with the following publications: (PMID: 26419737)

Breakthrough Genomics
Classification: Benign. Review status: criteria provided, single submitter. Criteria: ACMG Guidelines, 2015. Collection method: not provided. Allele origin: germline. Inheritance: Unknown mechanism. Affected: yes.